The following is an entry in ClinVar:

ClinVar aggregate classification (germline): Uncertain significance (1 of 4 stars; one submission).

Submission:

GeneDx
Classification: Uncertain significance. Last evaluated: 2023-08-09. Review status: criteria provided, single submitter. Criteria: GeneDx Variant Classification Process June 2021. Collection method: clinical testing. Allele origin: germline. Affected: yes.
Comment: Not observed at significant frequency in large population cohorts (gnomAD); In silico analysis supports that this missense variant has a deleterious effect on protein structure/function; Has not been previously published as pathogenic or benign to our knowledge

NM_014516.4(CNOT3):c.1652C>A (p.Ala551Asp)

Gene: CNOT3 (CCR4-NOT transcription complex subunit 3; plus strand). Cytogenetic location: 19q13.42.
Variant type: single nucleotide variant.
Coding change: c.1652C>A on transcript NM_014516.4 (MANE Select); coding-DNA position 1652, C replaced by A.
Protein change: p.Ala551Asp; replaces alanine 551 with aspartic acid.
Molecular consequence: missense variant.
Genome position (GRCh38, 1-based): chr19:54,152,272, C>A. VCF-style: chr19-54152272-C-A. GRCh37 (hg19) VCF-style: chr19-54656009-C-A.
Other names: short protein forms A551D.
Identifiers: ClinVar variation 3361636 (VCV003361636.1).